The following is an entry in ClinVar:

NM_001370259.2(MEN1):c.1522C>G (p.Gln508Glu)

Gene: MEN1 (menin 1; minus strand). Cytogenetic location: 11q13.1.
Variant type: single nucleotide variant.
Coding change: c.1522C>G on transcript NM_001370259.2 (MANE Select); coding-DNA position 1522, C replaced by G.
Protein change: p.Gln508Glu; replaces glutamine 508 with glutamic acid.
Molecular consequence: missense variant.
Genome position (GRCh38, 1-based): chr11:64,804,645, G>C on the plus strand (C>G on the coding strand, the complement: MEN1 is on the minus strand). VCF-style: chr11-64804645-G-C. GRCh37 (hg19) VCF-style: chr11-64572117-G-C.
Other names: c.1537C>G, p.Gln513Glu (NM_130804.3, NM_000244.4, NM_130800.3 and 3 more transcripts); c.1648C>G, p.Gln550Glu (NM_001370251.2); c.1522C>G, p.Gln508Glu (NM_001370260.2, NM_001370261.2, NM_130799.3); c.1417C>G, p.Gln473Glu (NM_001370262.2, NM_001370263.2); short protein forms Q508E, Q513E, Q473E, Q550E.
Identifiers: ClinVar variation 41851 (VCV000041851.4), dbSNP rs386833403, ClinGen allele CA009186.

ClinVar aggregate classification (germline): Uncertain significance. Review status: criteria provided, single submitter (1 of 4 stars). 2 submissions from 2 submitters: Uncertain significance (1). 1 of the submissions does not count toward it. Last evaluated 2025-06-01.

Conditions:
Multiple endocrine neoplasia, type 1 (MEN1). Also called: MEN I; WERMER SYNDROME; Endocrine adenomatosis multiple; MEN 1; MEA I. Identifiers: Orphanet 652, MedGen C0025267, MeSH D018761, MONDO:0007540, OMIM 131100.

Submissions (2):

Labcorp Genetics (formerly Invitae), Labcorp
Classification: Uncertain significance for Multiple endocrine neoplasia, type 1. Last evaluated: 2025-06-01. Review status: criteria provided, single submitter. Criteria: Invitae Variant Classification Sherloc (09022015). Collection method: clinical testing. Allele origin: germline.
Comment: This sequence change replaces glutamine, which is neutral and polar, with glutamic acid, which is acidic and polar, at codon 508 of the MEN1 protein (p.Gln508Glu). This variant is not present in population databases (gnomAD no frequency). This variant has not been reported in the literature in individuals affected with MEN1-related conditions. ClinVar contains an entry for this variant (Variation ID: 41851). Invitae Evidence Modeling of protein sequence and biophysical properties (such as structural, functional, and spatial information, amino acid conservation, physicochemical variation, residue mobility, and thermodynamic stability) indicates that this missense variant is not expected to disrupt MEN1 protein function with a negative predictive value of 95%. In summary, the available evidence is currently insufficient to determine the role of this variant in disease. Therefore, it has been classified as a Variant of Uncertain Significance.

Biesecker Lab/Clinical Genomics Section, National Institutes of Health
Classification: Uncertain significance. Last evaluated: 2012-07-13. Review status: no assertion criteria provided. Collection method: research. Allele origin: germline. Affected: no. Observed: 1 variant allele. Study: ClinSeq. Not counted in ClinVar's aggregate classification.
ClinVar note: Converted during submission from variant of unknown significance to Uncertain significance.